The following is an entry in ClinVar:

ClinVar aggregate classification (germline): Uncertain significance. Review status: criteria provided, multiple submitters, no conflicts (2 of 4 stars). 11 submissions from 11 submitters: Uncertain significance (10). 1 of the submissions does not count toward it. Last evaluated 2026-01-31.

Conditions:
Colorectal cancer, susceptibility to, 12 (CRCS12). Also called: COLORECTAL CANCER, SUSCEPTIBILITY TO, ON CHROMOSOME 12q24. Identifiers: Orphanet 220460, MedGen C3554460, MONDO:0014038, OMIM 615083.
Facial dysmorphism-immunodeficiency-livedo-short stature syndrome. Also called: FILS syndrome; Facial dysmorphism, immunodeficiency, livedo, and short stature. Identifiers: Orphanet 352712, MedGen C3554576, MONDO:0014058, OMIM 615139.
Intrauterine growth retardation, metaphyseal dysplasia, adrenal hypoplasia congenita, genital anomalies, and immunodeficiency. Also called: IMAGEI SYNDROME. Identifiers: MedGen C5193036, MONDO:0032684, OMIM 618336.
Hereditary cancer-predisposing syndrome. Also called: Tumor predisposition; Hereditary Cancer Syndrome; Neoplastic Syndromes, Hereditary; Hereditary neoplastic syndrome. Identifiers: Orphanet 140162, MedGen C0027672, MeSH D009386, MONDO:0015356.
POLE-related disorder. Also called: POLE-related condition; POLE-related disorders.
POLD1-related polyposis and colorectal cancer syndrome (CRCS10). Also called: Colorectal cancer 10; COLORECTAL CANCER, SUSCEPTIBILITY TO, ON CHROMOSOME 19q; Colorectal cancer, susceptibility to, 10. Identifiers: Orphanet 220460, MedGen C2675481, MONDO:0012953, OMIM 612591.

Allele frequency attached by ClinVar (database versions not stated): ExAC 0.00004; gnomAD exomes 0.00004 and 0.00016; gnomAD 0.00007 and 0.00008; TOPMed 0.00007; ESP Exome Variant Server 0.00008.
gnomAD v4.1: 247 of 1,613,776 alleles (0.015%); highest among the groups gnomAD compares: Non-Finnish European, 0.02%; no homozygotes.

Submissions (11):

Labcorp Genetics (formerly Invitae), Labcorp
Classification: Uncertain significance. Last evaluated: 2026-01-31. Review status: criteria provided, single submitter. Criteria: Invitae Variant Classification Sherloc (09022015). Collection method: clinical testing. Allele origin: germline.
Comment: This sequence change replaces tyrosine, which is neutral and polar, with cysteine, which is neutral and slightly polar, at codon 623 of the POLE protein (p.Tyr623Cys). This variant is present in population databases (rs150564856, gnomAD 0.009%). This variant has not been reported in the literature in individuals affected with POLE-related conditions. ClinVar contains an entry for this variant (Variation ID: 221157). Invitae Evidence Modeling of protein sequence and biophysical properties (such as structural, functional, and spatial information, amino acid conservation, physicochemical variation, residue mobility, and thermodynamic stability) indicates that this missense variant is expected to disrupt POLE protein function with a positive predictive value of 80%. In summary, the available evidence is currently insufficient to determine the role of this variant in disease. Therefore, it has been classified as a Variant of Uncertain Significance.

GeneDx
Classification: Uncertain significance. Last evaluated: 2025-03-09. Review status: criteria provided, single submitter. Criteria: GeneDx Variant Classification Process June 2021. Collection method: clinical testing. Allele origin: germline. Affected: yes.
Comment: In silico analysis supports that this missense variant has a deleterious effect on protein structure/function; Has not been previously published as pathogenic or benign to our knowledge; This variant is associated with the following publications: (PMID: 34355460, 20951805)

Ambry Genetics
Classification: Uncertain significance for Hereditary cancer-predisposing syndrome. Last evaluated: 2024-12-11. Review status: criteria provided, single submitter. Criteria: Ambry Variant Classification Scheme 2023. Collection method: clinical testing. Allele origin: germline.
Comment: The p.Y623C variant (also known as c.1868A>G), located in coding exon 17 of the POLE gene, results from an A to G substitution at nucleotide position 1868. The tyrosine at codon 623 is replaced by cysteine, an amino acid with highly dissimilar properties. This amino acid position is highly conserved in available vertebrate species. In addition, this alteration is predicted to be deleterious by in silico analysis. Based on the available evidence, the clinical significance of this variant remains unclear.

Molecular Pathology, Peter Maccallum Cancer Centre
Classification: Uncertain significance for POLD1-related polyposis and colorectal cancer syndrome. Last evaluated: 2024-09-11. Review status: criteria provided, single submitter. Criteria: ACMG Guidelines, 2015. Collection method: clinical testing. Allele origin: germline. Inheritance: Autosomal dominant inheritance.

Blueprint Genetics
Classification: Uncertain significance. Last evaluated: 2024-04-20. Review status: criteria provided, single submitter. Criteria: ACMG Guidelines, 2015. Collection method: clinical testing. Allele origin: germline.

Women's Health and Genetics/Laboratory Corporation of America, LabCorp
Classification: Uncertain significance. Last evaluated: 2022-11-04. Review status: criteria provided, single submitter. Criteria: LabCorp Variant Classification Summary - May 2015. Collection method: clinical testing. Allele origin: germline.
Comment: Variant summary: POLE c.1868A>G (p.Tyr623Cys) results in a non-conservative amino acid change in the encoded protein sequence. Four of five in-silico tools predict a damaging effect of the variant on protein function. The variant allele was found at a frequency of 4.4e-05 in 251436 control chromosomes (gnomAD). The observed variant frequency is approximately 3 fold of the estimated maximal expected allele frequency for a pathogenic variant in POLE causing Colorectal Cancer phenotype (1.4e-05), strongly suggesting that the variant is benign. To our knowledge, no occurrence of c.1868A>G in individuals affected with Colorectal Cancer and no experimental evidence demonstrating its impact on protein function have been reported. Seven clinical diagnostic laboratories have submitted clinical-significance assessments for this variant to ClinVar after 2014 and all classified the variant as uncertain significance. Based on the evidence outlined above, the variant was classified as uncertain significance.

Department of Pathology and Laboratory Medicine, Sinai Health System
Classification: Uncertain significance for Colorectal cancer, susceptibility to, 12; Facial dysmorphism-immunodeficiency-livedo-short stature syndrome; Intrauterine growth retardation, metaphyseal dysplasia, adrenal hypoplasia congenita, genital anomalies, and immunodeficiency. Last evaluated: 2021-06-09. Review status: criteria provided, single submitter. Criteria: ACMG Guidelines, 2015. Collection method: clinical testing. Allele origin: germline. Affected: no.

Baylor Genetics
Classification: Uncertain significance for Colorectal cancer, susceptibility to, 12. Last evaluated: 2020-08-30. Review status: criteria provided, single submitter. Criteria: ACMG Guidelines, 2015. Collection method: clinical testing. Allele origin: maternal. Affected: yes. Study: CSER-TexasKidsCanSeq.
Comment: This variant was determined to be of uncertain significance according to ACMG Guidelines, 2015 [PMID:25741868].

Fulgent Genetics
Classification: Uncertain significance for Colorectal cancer, susceptibility to, 12; Facial dysmorphism-immunodeficiency-livedo-short stature syndrome. Last evaluated: 2018-10-31. Review status: criteria provided, single submitter. Criteria: ACMG Guidelines, 2015. Collection method: clinical testing. Allele origin: unknown.

Quest Diagnostics Nichols Institute San Juan Capistrano
Classification: Uncertain significance. Last evaluated: 2017-12-27. Review status: criteria provided, single submitter. Criteria: Quest Diagnostics criteria. Collection method: clinical testing. Allele origin: germline.

PreventionGenetics, part of Exact Sciences
Classification: Uncertain significance for POLE-related condition. Last evaluated: 2024-06-12. Review status: no assertion criteria provided. Collection method: clinical testing. Allele origin: germline. Not counted in ClinVar's aggregate classification.
Comment: The POLE c.1868A>G variant is predicted to result in the amino acid substitution p.Tyr623Cys. To our knowledge, this variant has not been reported in the literature. This variant is reported in 0.0093% of alleles in individuals of European (Non-Finnish) descent in gnomAD and is interpreted as uncertain in ClinVar. At this time, the clinical significance of this variant is uncertain due to the absence of conclusive functional and genetic evidence.

NM_006231.4(POLE):c.1868A>G (p.Tyr623Cys)

Gene: POLE (DNA polymerase epsilon, catalytic subunit; minus strand). Cytogenetic location: 12q24.33.
Variant type: single nucleotide variant.
Coding change: c.1868A>G on transcript NM_006231.4 (MANE Select); coding-DNA position 1868, A replaced by G.
Protein change: p.Tyr623Cys; replaces tyrosine 623 with cysteine.
Molecular consequence: missense variant.
Genome position (GRCh38, 1-based): chr12:132,668,866, T>C on the plus strand (A>G on the coding strand, the complement: POLE is on the minus strand). VCF-style: chr12-132668866-T-C. GRCh37 (hg19) VCF-style: chr12-133245452-T-C.
Other names: short protein forms Y623C.
Identifiers: ClinVar variation 221157 (VCV000221157.31), dbSNP rs150564856, ClinGen allele CA350707.
Genomic context (GRCh38, chr12:132,668,866, plus strand): 5'-CTCACCTGCAGGCGGTTGGTCAGGATGATGTTGGGGTACATGGCCCCCACGTCCAGGTGG[T>C]AGATGAGTGGACACTCGATGCGGCTGGGAACGTCCTTCAGGGAGGCAAGCTTGCTCTTAA-3'
Protein context (NP_006222.2, residues 613-633): VPSRIECPLI[Tyr623Cys]HLDVGAMYPN